The following is an entry in ClinVar:

ClinVar aggregate classification (germline): Uncertain significance (1 of 4 stars; one submission).

gnomAD v4.1: 2 of 1,614,210 alleles (0.00012%); highest among the groups gnomAD compares: Non-Finnish European, 0.00017%; no homozygotes.

Submission:

Labcorp Genetics (formerly Invitae), Labcorp
Classification: Uncertain significance. Last evaluated: 2021-02-27. Review status: criteria provided, single submitter. Criteria: Invitae Variant Classification Sherloc (09022015). Collection method: clinical testing. Allele origin: germline.
Comment: In summary, the available evidence is currently insufficient to determine the role of this variant in disease. Therefore, it has been classified as a Variant of Uncertain Significance. This sequence change replaces glutamine with leucine at codon 921 of the TRPM1 protein (p.Gln921Leu). The glutamine residue is moderately conserved and there is a moderate physicochemical difference between glutamine and leucine. This variant is not present in population databases (ExAC no frequency). This variant has not been reported in the literature in individuals with TRPM1-related conditions. Algorithms developed to predict the effect of missense changes on protein structure and function are either unavailable or do not agree on the potential impact of this missense change (SIFT: "Deleterious"; PolyPhen-2: "Benign"; Align-GVGD: "Class C0").

NM_001252024.2(TRPM1):c.2828A>T (p.Gln943Leu)

Genes: TRPM1 (transient receptor potential cation channel subfamily M member 1; minus strand), TRPM1-AS1 (TRPM1 antisense RNA 1; plus strand). Cytogenetic location: 15q13.3.
Variant type: single nucleotide variant.
Coding change: c.2828A>T on transcript NM_001252024.2 (MANE Select); coding-DNA position 2828, A replaced by T.
Protein change: p.Gln943Leu; replaces glutamine 943 with leucine.
Molecular consequence: missense variant.
Genome position (GRCh38, 1-based): chr15:31,032,813, T>A on the plus strand (A>T on the coding strand, the complement: TRPM1 is on the minus strand). VCF-style: chr15-31032813-T-A. GRCh37 (hg19) VCF-style: chr15-31325016-T-A.
Other names: c.2879A>T, p.Gln960Leu (NM_001252020.2); c.2762A>T, p.Gln921Leu (NM_002420.6); short protein forms Q960L, Q921L, Q943L.
Identifiers: ClinVar variation 1376070 (VCV001376070.8), dbSNP rs749721389, ClinGen allele CA391546065.